The following is an entry in ClinVar:

ClinVar aggregate classification (germline): Uncertain significance (1 of 4 stars; one submission).

Submission:

GeneDx
Classification: Uncertain significance. Last evaluated: 2026-03-08. Review status: criteria provided, single submitter. Criteria: GeneDx Variant Classification Process June 2021. Collection method: clinical testing. Allele origin: germline.
Comment: Not observed at significant frequency in large population cohorts (gnomAD); In silico analysis suggests that this missense variant does not alter protein structure/function; Has not been previously published as pathogenic or benign to our knowledge

NM_001242896.3(DEPDC5):c.3793G>A (p.Glu1265Lys)

Gene: DEPDC5 (DEP domain containing 5, GATOR1 subcomplex subunit; plus strand). Cytogenetic location: 22q12.3.
Variant type: single nucleotide variant.
Coding change: c.3793G>A on transcript NM_001242896.3 (MANE Select); coding-DNA position 3793, G replaced by A.
Protein change: p.Glu1265Lys; replaces glutamic acid 1265 with lysine.
Molecular consequence: missense variant. On other transcripts: non-coding transcript variant (2).
Genome position (GRCh38, 1-based): chr22:31,876,253, G>A. VCF-style: chr22-31876253-G-A. GRCh37 (hg19) VCF-style: chr22-32272239-G-A.
Other names: c.3766G>A, p.Glu1256Lys (NM_001136029.4); c.3493G>A, p.Glu1165Lys (NM_001242897.2); c.3727G>A, p.Glu1243Lys (NM_001363852.2, NM_001364320.2); c.3559G>A, p.Glu1187Lys (NM_001363854.2, NM_001364319.2); c.3793G>A, p.Glu1265Lys (NM_001364318.2); c.3709G>A, p.Glu1237Lys (NM_001369901.1, NM_001369902.1); c.3700G>A, p.Glu1234Lys (NM_001369903.1, NM_014662.6); short protein forms E1165K, E1237K, E1243K, E1187K, E1265K, E1234K, E1256K.
Identifiers: ClinVar variation 5008427 (VCV005008427.1).